The following is an entry in ClinVar:

NM_014363.6(SACS):c.3739C>A (p.Gln1247Lys)

Gene: SACS (sacsin molecular chaperone; minus strand). Cytogenetic location: 13q12.12.
Variant type: single nucleotide variant.
Coding change: c.3739C>A on transcript NM_014363.6 (MANE Select); coding-DNA position 3739, C replaced by A.
Protein change: p.Gln1247Lys; replaces glutamine 1247 with lysine.
Molecular consequence: missense variant.
Genome position (GRCh38, 1-based): chr13:23,340,137, G>T on the plus strand (C>A on the coding strand, the complement: SACS is on the minus strand). VCF-style: chr13-23340137-G-T. GRCh37 (hg19) VCF-style: chr13-23914276-G-T.
Other names: c.3298C>A, p.Gln1100Lys (NM_001278055.2); short protein forms Q1100K, Q1247K.
Identifiers: ClinVar variation 1016410 (VCV001016410.8), dbSNP rs1869063828, ClinGen allele CA387533709.
Genomic context (GRCh38, chr13:23,340,137, plus strand): 5'-TCCCTTCATTTAGATGATCATGCATGAATCCGTAAATCTCAAGCAAAATATGCTGGAATT[G>T]ATAGTAGTCTTCATCACTAAAGGTTTTTGAAGAATACCAATCAACAACAATTTTAAAGTG-3'
Protein context (NP_055178.3, residues 1237-1257): SKTFSDEDYY[Gln1247Lys]FQHILLEIYG

ClinVar aggregate classification (germline): Uncertain significance (1 of 4 stars; one submission).

Conditions:
Spastic paraplegia. Identifiers: MedGen C0037772, HP:0001258.

Allele frequency attached by ClinVar (database versions not stated): gnomAD exomes 0.00001.

Submission:

Labcorp Genetics (formerly Invitae), Labcorp
Classification: Uncertain significance for Spastic paraplegia. Last evaluated: 2020-09-24. Review status: criteria provided, single submitter. Criteria: Invitae Variant Classification Sherloc (09022015). Collection method: clinical testing. Allele origin: germline.
Comment: This variant is not present in population databases (ExAC no frequency). In summary, the available evidence is currently insufficient to determine the role of this variant in disease. Therefore, it has been classified as a Variant of Uncertain Significance. Advanced modeling of protein sequence and biophysical properties (such as structural, functional, and spatial information, amino acid conservation, physicochemical variation, residue mobility, and thermodynamic stability) performed at Invitae indicates that this missense variant is not expected to disrupt SACS protein function. This variant has been observed in individual(s) with clinical features of hereditary spastic paraplegia (Invitae). This sequence change replaces glutamine with lysine at codon 1247 of the SACS protein (p.Gln1247Lys). The glutamine residue is highly conserved and there is a small physicochemical difference between glutamine and lysine.